The following is an entry in ClinVar:

ClinVar aggregate classification (germline): Likely benign (1 of 4 stars; one submission).

Allele frequency attached by ClinVar (database versions not stated): TOPMed 0.00001; gnomAD 0.00003; ExAC 0.00006; ESP Exome Variant Server 0.00008.
gnomAD v4.1: 43 of 1,613,482 alleles (0.0027%); highest among the groups gnomAD compares: Middle Eastern, 0.049%; no homozygotes.

Submission:

CeGaT Center for Human Genetics Tuebingen
Classification: Likely benign. Last evaluated: 2022-06-01. Review status: criteria provided, single submitter. Criteria: CeGaT Center For Human Genetics Tuebingen Variant Classification Criteria Version 2. Collection method: clinical testing. Allele origin: germline. Affected: yes. Observed: 1 variant allele.
Comment: SYNE1: BP4, BP7

NM_182961.4(SYNE1):c.3027+33C>T

Gene: SYNE1 (spectrin repeat containing nuclear envelope protein 1; minus strand). Cytogenetic location: 6q25.2.
Variant type: single nucleotide variant.
Coding change: c.3027+33C>T on transcript NM_182961.4 (MANE Select); 33 bases into the intron after coding-DNA position 3027, C replaced by T.
Molecular consequence: intron variant.
Genome position (GRCh38, 1-based): chr6:152,453,553, G>A on the plus strand (C>T on the coding strand, the complement: SYNE1 is on the minus strand). VCF-style: chr6-152453553-G-A. GRCh37 (hg19) VCF-style: chr6-152774688-G-A.
Other names: c.3048+33C>T (NM_033071.5).
Identifiers: ClinVar variation 2657034 (VCV002657034.24), dbSNP rs377164454, ClinGen allele CA4058964.
Genomic context (GRCh38, chr6:152,453,553, plus strand): 5'-AATTTCTAAATTTCTCTTACATTTGGACCTTAACACGCTCAAGCTTCTCCCTTCATTGAG[G>A]ATGCACGGTGTCTCCGTCCTGTCCTGACTCACCTTCCATTGTTTGTGGAGCTTTCGAACA-3'